The following is an entry in ClinVar:

NM_001378.3(DYNC1I2):c.740A>G (p.Tyr247Cys)

Gene: DYNC1I2 (dynein cytoplasmic 1 intermediate chain 2; plus strand). Cytogenetic location: 2q31.1.
Variant type: single nucleotide variant.
Coding change: c.740A>G on transcript NM_001378.3 (MANE Select); coding-DNA position 740, A replaced by G.
Protein change: p.Tyr247Cys; replaces tyrosine 247 with cysteine.
Molecular consequence: missense variant.
Genome position (GRCh38, 1-based): chr2:171,726,051, A>G. VCF-style: chr2-171726051-A-G. GRCh37 (hg19) VCF-style: chr2-172582561-A-G.
Other names: c.740A>G, p.Tyr247Cys (NM_001271785.2); c.716A>G, p.Tyr239Cys (NM_001271786.2, NM_001271787.2); c.662A>G, p.Tyr221Cys (NM_001271788.2, NM_001271789.2, NM_001271790.2 and 1 more transcripts); c.722A>G, p.Tyr241Cys (NM_001320882.2, NM_001320883.2); short protein forms Y247C, Y239C, Y241C, Y221C.
Identifiers: ClinVar variation 635400 (VCV000635400.6), dbSNP rs752940799, ClinGen allele CA1965666.

ClinVar aggregate classification (germline): Pathogenic/Likely pathogenic. Review status: criteria provided, multiple submitters, no conflicts (2 of 4 stars). 3 submissions from 3 submitters: Pathogenic (1); Likely pathogenic (1). 1 of the submissions does not count toward it. Last evaluated 2020-05-28.

Conditions:
Neurodevelopmental disorder with microcephaly and structural brain anomalies. Identifiers: Orphanet 699844, MedGen C5193123, MONDO:0032779, OMIM 618492.
Neurodevelopmental disorder with microcephaly, hypotonia, and variable brain anomalies (NMIHBA). Identifiers: Orphanet 544469, MedGen C4479566, MONDO:0060490, OMIM 617481.

Allele frequency attached by ClinVar (database versions not stated): ExAC 0.00001; gnomAD 0.00001; gnomAD exomes 0.00001 and 0.00002.
gnomAD v4.1: 13 of 1,584,422 alleles (0.00082%); highest among the groups gnomAD compares: Non-Finnish European, 0.00026%; no homozygotes.

Submissions (3):

Broad Center for Mendelian Genomics, Broad Institute of MIT and Harvard
Classification: Pathogenic for Neurodevelopmental disorder with microcephaly, hypotonia, and variable brain anomalies. Last evaluated: 2020-05-28. Review status: criteria provided, single submitter. Criteria: ACMG Guidelines, 2015. Collection method: research. Allele origin: germline. Inheritance: Autosomal recessive inheritance.
Comment: This variant has also been reported in an additional individual with NEDMIBA, and has been identified in 0.048% (4/8316) by Ashkenazi Jewish chromosomes by the Genome Aggregation Database (gnomAD; dbSNP rs752940799). Although this variant has been seen in the general population, its frequency is low enough to be consistent with a recessive carrier frequency. This variant has also been reported pathogenic by OMIM in ClinVar (Variation ID: 635400). The presence of this variant in combination with reported pathogenic variants and in 2 individuals with NEDMIBA increases the likelihood that the p.Tyr247Cys variant is pathogenic (PMID: 31079899). Animal models in zebrafish have shown that this variant causes NEDMIBA (PMID: 31079899). Computational prediction tools and conservation analyses suggest that this variant may impact the protein, though this information is not predictive enough to determine pathogenicity. In summary, this variant meets criteria to be classified as pathogenic for NEDMIBA in an autosomal recessive manner based on zebrafish models and multiple occurrences confirmed in trans with pathogenic variants. ACMG/AMP Criteria applied: PM3_Strong, PS3, PP3 (Richards 2015).

Juno Genomics, Hangzhou Juno Genomics, Inc
Classification: Likely pathogenic for Neurodevelopmental disorder with microcephaly and structural brain anomalies. Review status: criteria provided, single submitter. Criteria: ACMG Guidelines, 2015. Collection method: clinical testing. Allele origin: germline.
Comment: Absent from controls (or at extremely low frequency if recessive) in Genome Aggregation Database.;Multiple lines of computational evidence support a deleterious effect on the gene or gene product.;Missense variant in a gene that has a low rate of benign missense variation.;For recessive disorders, detected in trans with a pathogenic variant.

OMIM
Classification: Pathogenic for NEURODEVELOPMENTAL DISORDER WITH MICROCEPHALY AND STRUCTURAL BRAIN ANOMALIES. Last evaluated: 2019-07-02. Review status: no assertion criteria provided. Collection method: literature only. Allele origin: germline. Not counted in ClinVar's aggregate classification.

Literature cited by the submitters: PubMed 31079899 (cited by Broad Center for Mendelian Genomics, Broad Institute of MIT and Harvard and OMIM).